The following is an entry in ClinVar:

ClinVar aggregate classification (germline): Uncertain significance (1 of 4 stars; one submission).

Conditions:
Neuropathy, hereditary sensory and autonomic, type 2A (HSAN2A). Also called: ACROOSTEOLYSIS, GIACCAI TYPE; ACROOSTEOLYSIS, NEUROGENIC; HSAN IIA; MORVAN DISEASE; NEUROPATHY, CONGENITAL SENSORY; NEUROPATHY, HEREDITARY SENSORY RADICULAR, AUTOSOMAL RECESSIVE. Identifiers: Orphanet 970, MedGen C2752089, MONDO:0024309, OMIM 201300.
Generalized epilepsy with febrile seizures plus, type 7 (GEFSP7). Also called: GEFS+, TYPE 7. Identifiers: Orphanet 36387, MedGen C2751778, MONDO:0013470, OMIM 613863.

Allele frequency attached by ClinVar (database versions not stated): gnomAD 0.00001; gnomAD exomes 0.00001; ExAC 0.00004; ESP Exome Variant Server 0.00008.
gnomAD v4.1: 13 of 1,551,620 alleles (0.00084%); highest among the groups gnomAD compares: Non-Finnish European, 0.00096%; no homozygotes.

Submission:

Labcorp Genetics (formerly Invitae), Labcorp
Classification: Uncertain significance for Neuropathy, hereditary sensory and autonomic, type 2A; Generalized epilepsy with febrile seizures plus, type 7. Last evaluated: 2025-02-24. Review status: criteria provided, single submitter. Criteria: Invitae Variant Classification Sherloc (09022015). Collection method: clinical testing. Allele origin: germline.
Comment: This sequence change replaces cysteine, which is neutral and slightly polar, with tyrosine, which is neutral and polar, at codon 1155 of the SCN9A protein (p.Cys1155Tyr). The frequency data for this variant in the population databases is considered unreliable, as metrics indicate poor data quality at this position in the gnomAD database. This variant has not been reported in the literature in individuals affected with SCN9A-related conditions. ClinVar contains an entry for this variant (Variation ID: 331969). Invitae Evidence Modeling of protein sequence and biophysical properties (such as structural, functional, and spatial information, amino acid conservation, physicochemical variation, residue mobility, and thermodynamic stability) indicates that this missense variant is not expected to disrupt SCN9A protein function with a negative predictive value of 95%. In summary, the available evidence is currently insufficient to determine the role of this variant in disease. Therefore, it has been classified as a Variant of Uncertain Significance.

NM_001365536.1(SCN9A):c.3497G>A (p.Cys1166Tyr)

Genes: SCN9A (sodium voltage-gated channel alpha subunit 9; minus strand), SCN1A-AS1 (SCN1A and SCN9A antisense RNA 1; plus strand). Cytogenetic location: 2q24.3.
Variant type: single nucleotide variant.
Coding change: c.3497G>A on transcript NM_001365536.1 (MANE Select); coding-DNA position 3497, G replaced by A.
Protein change: p.Cys1166Tyr; replaces cysteine 1166 with tyrosine.
Molecular consequence: missense variant.
Genome position (GRCh38, 1-based): chr2:166,242,632, C>T on the plus strand (G>A on the coding strand, the complement: SCN9A is on the minus strand). VCF-style: chr2-166242632-C-T. GRCh37 (hg19) VCF-style: chr2-167099142-C-T.
Other names: c.3464G>A, p.Cys1155Tyr (NM_002977.4); short protein forms C1155Y, C1166Y.
Identifiers: ClinVar variation 331969 (VCV000331969.10), dbSNP rs370455223, ClinGen allele CA1944037.